The following is an entry in ClinVar:

ClinVar aggregate classification (germline): Uncertain significance (0 of 4 stars; one submission).

Conditions:
Fanconi anemia complementation group A (FANCA). Also called: Fanconi anemia, group A; FANCA-Related Fanconi Anemia. Identifiers: Orphanet 84, MedGen C3469521, MONDO:0009215, OMIM 227650.

Submission:

Leiden Open Variation Database
Classification: Uncertain significance for Fanconi anemia complementation group A. Last evaluated: 2020-02-28. Review status: no assertion criteria provided. Collection method: curation. Allele origin: germline. Affected: yes.
Comment: Curator: Arleen D. Auerbach. Submitter to LOVD: Arleen D. Auerbach.

Literature cited by the submitters: PubMed 16084127.

NM_000135.4(FANCA):c.894-3C>G

Gene: FANCA (FA complementation group A; minus strand). Cytogenetic location: 16q24.3.
Variant type: single nucleotide variant.
Coding change: c.894-3C>G on transcript NM_000135.4 (MANE Select); 3 bases into the intron before coding-DNA position 894, C replaced by G.
Molecular consequence: intron variant.
Genome position (GRCh38, 1-based): chr16:89,796,021, G>C on the plus strand (C>G on the coding strand, the complement: FANCA is on the minus strand). VCF-style: chr16-89796021-G-C. GRCh37 (hg19) VCF-style: chr16-89862429-G-C.
Other names: c.894-3C>G (NM_001286167.3).
Identifiers: ClinVar variation 974206 (VCV000974206.1), dbSNP rs2040234388, ClinGen allele CA1139664971.